The following is an entry in ClinVar:

ClinVar aggregate classification (germline): Likely benign. Review status: criteria provided, multiple submitters, no conflicts (2 of 4 stars). 2 submissions from 2 submitters: Likely benign (2). Last evaluated 2024-07-31.

Allele frequency attached by ClinVar (database versions not stated): gnomAD 0.00001; gnomAD exomes 0.00001; TOPMed 0.00002.
gnomAD v4.1: 16 of 1,614,028 alleles (0.00099%); highest among the groups gnomAD compares: Non-Finnish European, 0.0013%; no homozygotes.

Submissions (2):

Labcorp Genetics (formerly Invitae), Labcorp
Classification: Likely benign. Last evaluated: 2024-07-31. Review status: criteria provided, single submitter. Criteria: Invitae Variant Classification Sherloc (09022015). Collection method: clinical testing. Allele origin: germline.

CeGaT Center for Human Genetics Tuebingen
Classification: Likely benign. Last evaluated: 2024-01-01. Review status: criteria provided, single submitter. Criteria: CeGaT Center For Human Genetics Tuebingen Variant Classification Criteria Version 2. Collection method: clinical testing. Allele origin: germline. Affected: yes. Observed: 2 variant alleles.
Comment: AUTS2: BP4, BP7

NM_015570.4(AUTS2):c.1845C>T (p.Ile615=)

Gene: AUTS2 (activator of transcription and developmental regulator AUTS2; plus strand). Cytogenetic location: 7q11.22.
Variant type: single nucleotide variant.
Coding change: c.1845C>T on transcript NM_015570.4 (MANE Select); coding-DNA position 1845, C replaced by T.
Protein change: p.Ile615=; no amino-acid change (isoleucine 615 retained).
Molecular consequence: synonymous variant. On other transcripts: intron variant (1).
Genome position (GRCh38, 1-based): chr7:70,774,042, C>T. VCF-style: chr7-70774042-C-T. GRCh37 (hg19) VCF-style: chr7-70239028-C-T.
Other names: c.1831-1315C>T (NM_001127231.3).
Identifiers: ClinVar variation 2657532 (VCV002657532.26), dbSNP rs200480602, ClinGen allele CA160031833.